The following is an entry in ClinVar:

ClinVar aggregate classification (germline): Likely benign. Review status: criteria provided, multiple submitters, no conflicts (2 of 4 stars). 3 submissions from 3 submitters: Likely benign (3). Last evaluated 2026-01-02.

Conditions:
TTC21B-related disorder. Also called: TTC21B-related condition; TTC21B-related disorders.
Jeune thoracic dystrophy. Also called: Jeune syndrome; Infantile thoracic dystrophy; Thoracic pelvic phalangeal dystrophy; Jeune's syndrome; Chondroectodermal dysplasia-like syndrome; Short-rib thoracic dysplasia. Identifiers: Orphanet 474, MedGen C0265275, MONDO:0018770.
Nephronophthisis. Also called: Juvenile Nephronophthisis. Identifiers: Orphanet 655, MedGen C0687120, MONDO:0019005, HP:0000090.

Allele frequency attached by ClinVar (database versions not stated): ExAC 0.00002; gnomAD 0.00004 and 0.00005; TOPMed 0.00004; gnomAD exomes 0.00006 and 0.00007.
gnomAD v4.1: 109 of 1,613,542 alleles (0.0068%); highest among the groups gnomAD compares: Non-Finnish European, 0.0092%; no homozygotes.

Submissions (3):

Labcorp Genetics (formerly Invitae), Labcorp
Classification: Likely benign for Jeune thoracic dystrophy; Nephronophthisis. Last evaluated: 2026-01-02. Review status: criteria provided, single submitter. Criteria: Invitae Variant Classification Sherloc (09022015). Collection method: clinical testing. Allele origin: germline.

PreventionGenetics, part of Exact Sciences
Classification: Likely benign for TTC21B-related condition. Last evaluated: 2025-04-03. Review status: criteria provided, single submitter. Criteria: ACMG Guidelines, 2015. Collection method: clinical testing. Allele origin: germline.
Comment: This variant is classified as likely benign based on ACMG/AMP sequence variant interpretation guidelines (Richards et al. 2015 PMID: 25741868, with internal and published modifications).

Blueprint Genetics
Classification: Likely benign. Last evaluated: 2024-03-05. Review status: criteria provided, single submitter. Criteria: ACMG Guidelines, 2015. Collection method: clinical testing. Allele origin: germline.

NM_024753.5(TTC21B):c.3222T>G (p.Thr1074=)

Gene: TTC21B (tetratricopeptide repeat domain 21B; minus strand). Cytogenetic location: 2q24.3.
Variant type: single nucleotide variant.
Coding change: c.3222T>G on transcript NM_024753.5 (MANE Select); coding-DNA position 3222, T replaced by G.
Protein change: p.Thr1074=; no amino-acid change (threonine 1074 retained).
Molecular consequence: synonymous variant.
Genome position (GRCh38, 1-based): chr2:165,890,520, A>C on the plus strand (T>G on the coding strand, the complement: TTC21B is on the minus strand). VCF-style: chr2-165890520-A-C. GRCh37 (hg19) VCF-style: chr2-166747030-A-C.
Other names: c.3222T>G (NM_024753.4).
Identifiers: ClinVar variation 1141559 (VCV001141559.11), dbSNP rs547771085, ClinGen allele CA1941557.
Genomic context (GRCh38, chr2:165,890,520, plus strand): 5'-AATATGTCAAATAACTCACCCCAGGTCTCCATCCAGGTTTTCAAATACTTCACCTCCAAC[A>C]GTTTCATTATCTGGATTCAAACAGATCTCTATCATATTATAAAGGGCATTTTGGCCCCAG-3'
Protein context (NP_079029.3, residues 1064-1084): IEICLNPDNE[Thr1074=]VGGEVFENLD